The following is an entry in ClinVar:

ClinVar aggregate classification (germline): Conflicting classifications of pathogenicity. Review status: criteria provided, conflicting classifications (1 of 4 stars). 2 submissions from 2 submitters: Pathogenic (1); Uncertain significance (1). Last evaluated 2025-08-21.

Conditions:
Autosomal recessive spinocerebellar ataxia 2. Also called: CEREBELLAR GRANULAR CELL HYPOPLASIA AND MENTAL RETARDATION, CONGENITAL; CEREBELLAR HYPOPLASIA, NONPROGRESSIVE NORMAN TYPE; CEREBELLOPARENCHYMAL DISORDER III; CPD III. Identifiers: Orphanet 1170, MedGen C1859298, MONDO:0008943, OMIM 213200.

Allele frequency attached by ClinVar (database versions not stated): gnomAD 0.00001; gnomAD exomes 0.00001; TOPMed below 0.00001; ExAC 0.00001.
gnomAD v4.1: 17 of 1,612,006 alleles (0.0011%); highest among the groups gnomAD compares: East Asian, 0.0022%; no homozygotes.

Submissions (2):

Labcorp Genetics (formerly Invitae), Labcorp
Classification: Pathogenic. Last evaluated: 2025-08-21. Review status: criteria provided, single submitter. Criteria: Invitae Variant Classification Sherloc (09022015). Collection method: clinical testing. Allele origin: germline.
Comment: This sequence change replaces arginine, which is basic and polar, with cysteine, which is neutral and slightly polar, at codon 223 of the PMPCA protein (p.Arg223Cys). This variant is present in population databases (rs771359205, gnomAD 0.003%). This missense change has been observed in individual(s) with autosomal recessive spinocerebellar ataxia and/or spinocerebellar ataxia (PMID: 33272776, 39003674). In at least one individual the data is consistent with being in trans (on the opposite chromosome) from a pathogenic variant. ClinVar contains an entry for this variant (Variation ID: 2572476). Invitae Evidence Modeling of protein sequence and biophysical properties (such as structural, functional, and spatial information, amino acid conservation, physicochemical variation, residue mobility, and thermodynamic stability) indicates that this missense variant is expected to disrupt PMPCA protein function with a positive predictive value of 80%. Algorithms developed to predict the effect of sequence changes on RNA splicing suggest that this variant may disrupt the consensus splice site. For these reasons, this variant has been classified as Pathogenic.

3billion
Classification: Uncertain significance for Autosomal recessive spinocerebellar ataxia 2. Review status: criteria provided, single submitter. Criteria: ACMG Guidelines, 2015. Collection method: clinical testing. Allele origin: unknown. Affected: yes. Observed: 1 heterozygote.
Comment: The variant is observed at an extremely low frequency in the gnomAD v2.1.1 dataset (total allele frequency: <0.001%). Missense changes are a common disease-causing mechanism. In silico tool predictions suggest damaging effect of the variant on gene or gene product (REVEL: 0.35; 3Cnet: 0.84). Same nucleotide change resulting in same amino acid change has been previously reported to be associated with PMPCA related disorder (PMID: 32369273). However, the evidence of pathogenicity is insufficient at this time. Therefore, this variant is classified as Uncertain significance according to the recommendation of ACMG/AMP guideline.

Literature cited by the submitters: PubMed 33272776 (cited by Labcorp Genetics (formerly Invitae), Labcorp); PubMed 39003674 (cited by Labcorp Genetics (formerly Invitae), Labcorp); PubMed 32369273 (cited by 3billion).

NM_015160.3(PMPCA):c.667C>T (p.Arg223Cys)

Genes: PMPCA (peptidase, mitochondrial processing subunit alpha; plus strand), LOC126860792 (CDK7 strongly-dependent group 2 enhancer GRCh37_chr9:139310410-139311609; plus strand). Cytogenetic location: 9q34.3.
Variant type: single nucleotide variant.
Coding change: c.667C>T on transcript NM_015160.3 (MANE Select); coding-DNA position 667, C replaced by T.
Protein change: p.Arg223Cys; replaces arginine 223 with cysteine.
Molecular consequence: missense variant.
Genome position (GRCh38, 1-based): chr9:136,416,984, C>T. VCF-style: chr9-136416984-C-T. GRCh37 (hg19) VCF-style: chr9-139311436-C-T.
Other names: c.274C>T, p.Arg92Cys (NM_001282944.2); c.367C>T, p.Arg123Cys (NM_001282946.2); short protein forms R123C, R223C, R92C.
Identifiers: ClinVar variation 2572476 (VCV002572476.3), dbSNP rs771359205, ClinGen allele CA5336116.